The following is an entry in ClinVar:

ClinVar aggregate classification (germline): Uncertain significance. Review status: criteria provided, multiple submitters, no conflicts (2 of 4 stars). 3 submissions from 3 submitters: Uncertain significance (3). Last evaluated 2024-05-02.

Conditions:
Hereditary nonpolyposis colorectal neoplasms. Identifiers: MedGen C0009405, MeSH D003123.
Hereditary cancer-predisposing syndrome. Also called: Hereditary neoplastic syndrome; Tumor predisposition; Hereditary Cancer Syndrome; Neoplastic Syndromes, Hereditary. Identifiers: Orphanet 140162, MedGen C0027672, MeSH D009386, MONDO:0015356.

Submissions (3):

Ambry Genetics
Classification: Uncertain significance for Hereditary cancer-predisposing syndrome. Last evaluated: 2024-05-02. Review status: criteria provided, single submitter. Criteria: Ambry Variant Classification Scheme 2023. Collection method: clinical testing. Allele origin: germline.
Comment: The p.L111V variant (also known as c.331C>G), located in coding exon 4 of the PMS2 gene, results from a C to G substitution at nucleotide position 331. The leucine at codon 111 is replaced by valine, an amino acid with highly similar properties. This amino acid position is conserved. In addition, this alteration is predicted to be deleterious by in silico analysis. Based on the available evidence, the clinical significance of this variant remains unclear.

Labcorp Genetics (formerly Invitae), Labcorp
Classification: Uncertain significance for Hereditary nonpolyposis colorectal neoplasms. Last evaluated: 2024-04-29. Review status: criteria provided, single submitter. Criteria: Invitae Variant Classification Sherloc (09022015). Collection method: clinical testing. Allele origin: germline.
Comment: This sequence change replaces leucine, which is neutral and non-polar, with valine, which is neutral and non-polar, at codon 111 of the PMS2 protein (p.Leu111Val). This variant is not present in population databases (gnomAD no frequency). This variant has not been reported in the literature in individuals affected with PMS2-related conditions. ClinVar contains an entry for this variant (Variation ID: 219749). Advanced modeling of protein sequence and biophysical properties (such as structural, functional, and spatial information, amino acid conservation, physicochemical variation, residue mobility, and thermodynamic stability) performed at Invitae indicates that this missense variant is expected to disrupt PMS2 protein function with a positive predictive value of 80%. In summary, the available evidence is currently insufficient to determine the role of this variant in disease. Therefore, it has been classified as a Variant of Uncertain Significance.

Sema4
Classification: Uncertain significance for Hereditary cancer-predisposing syndrome. Last evaluated: 2021-06-23. Review status: criteria provided, single submitter. Criteria: Sema4 Curation Guidelines. Collection method: curation. Allele origin: germline.
Comment: To the best of our knowledge, the PMS2 c.331C>G (p.L111V) has not been reported in individuals with PMS2-related disease. It was not observed in the large and broad cohorts of the Genome Aggregation Database (PMID: 32461654). The variant has been reported in ClinVar (Variation ID: 219749). In silico tools suggest the impact of the variant on protein function is deleterious, though these predictions have not been confirmed by functional studies. The evidence is insufficient to meet ACMG/AMP criteria for classifying the variant as benign or pathogenic. Thus, the clinical significance of this variant is currently uncertain.

NM_000535.7(PMS2):c.331C>G (p.Leu111Val)

Gene: PMS2 (PMS1 homolog 2, mismatch repair system component; minus strand). Cytogenetic location: 7p22.1.
Variant type: single nucleotide variant.
Coding change: c.331C>G on transcript NM_000535.7 (MANE Select); coding-DNA position 331, C replaced by G.
Protein change: p.Leu111Val; replaces leucine 111 with valine.
Molecular consequence: missense variant. On other transcripts: 5 prime UTR variant (9), non-coding transcript variant (1), intron variant (2).
Genome position (GRCh38, 1-based): chr7:6,003,712, G>C on the plus strand (C>G on the coding strand, the complement: PMS2 is on the minus strand). VCF-style: chr7-6003712-G-C. GRCh37 (hg19) VCF-style: chr7-6043343-G-C.
Other names: c.-75C>G (NM_001322013.2, NM_001322003.2, NM_001322004.2 and 3 more transcripts); c.331C>G, p.Leu111Val (NM_001322014.2, NM_001322006.2); c.-154C>G (NM_001322015.2); c.35+260C>G (NM_001322008.2, NM_001322007.2); c.-554C>G (NM_001322011.2, NM_001322012.2); short protein forms L111V.
Identifiers: ClinVar variation 219749 (VCV000219749.12), dbSNP rs864622232, ClinGen allele CA348419.